The following is an entry in ClinVar:

ClinVar aggregate classification (germline): Uncertain significance (1 of 4 stars; one submission).

Conditions:
Epidermolysis bullosa simplex 5B, with muscular dystrophy (EBS5B). Also called: EPIDERMOLYSIS BULLOSA SIMPLEX AND LIMB-GIRDLE MUSCULAR DYSTROPHY; Epidermolysis bullosa simplex with muscular dystrophy. Identifiers: Orphanet 257, MedGen C2931072, MONDO:0009181, OMIM 226670.
Epidermolysis bullosa simplex, Ogna type (EBS5A). Also called: Pidermolysis bullosa simplex 5A, Ogna type; EPIDERMOLYSIS BULLOSA SIMPLEX 5A, OGNA TYPE. Identifiers: Orphanet 79401, MedGen C0432317, MONDO:0007555, OMIM 131950.
Epidermolysis bullosa simplex 5C, with pyloric atresia (EBS5C). Also called: Epidermolysis bullosa simplex with pyloric atresia; PLEC-Related Epidermolysis Bullosa with Pyloric Atresia; PLEC1-Related Epidermolysis Bullosa with Pyloric Atresia. Identifiers: Orphanet 158684, MedGen C2677349, MONDO:0012807, OMIM 612138.
Epidermolysis bullosa simplex with nail dystrophy (EBS5D). Identifiers: MedGen C4225309, MONDO:0014661, OMIM 616487.
Autosomal recessive limb-girdle muscular dystrophy type 2Q (LGMDR17). Also called: MUSCULAR DYSTROPHY, LIMB-GIRDLE, AUTOSOMAL RECESSIVE 17. Identifiers: Orphanet 254361, MedGen C3150989, MONDO:0013390, OMIM 613723.

Allele frequency attached by ClinVar (database versions not stated): gnomAD exomes 0.00001 and 0.00002; TOPMed 0.00003; gnomAD 0.00004.
gnomAD v4.1: 25 of 1,603,434 alleles (0.0016%); highest among the groups gnomAD compares: Admixed American, 0.017%; no homozygotes.

Submission:

Labcorp Genetics (formerly Invitae), Labcorp
Classification: Uncertain significance for Autosomal recessive limb-girdle muscular dystrophy type 2Q; Epidermolysis bullosa simplex, Ogna type; Epidermolysis bullosa simplex with nail dystrophy; Epidermolysis bullosa simplex 5C, with pyloric atresia; Epidermolysis bullosa simplex 5B, with muscular dystrophy. Last evaluated: 2021-09-01. Review status: criteria provided, single submitter. Criteria: Invitae Variant Classification Sherloc (09022015). Collection method: clinical testing. Allele origin: germline.
Comment: This sequence change replaces methionine with threonine at codon 3402 of the PLEC protein (p.Met3402Thr). The methionine residue is highly conserved and there is a moderate physicochemical difference between methionine and threonine. This variant is not present in population databases (ExAC no frequency). This variant has not been reported in the literature in individuals affected with PLEC-related conditions. Algorithms developed to predict the effect of missense changes on protein structure and function (SIFT, PolyPhen-2, Align-GVGD) all suggest that this variant is likely to be disruptive. In summary, the available evidence is currently insufficient to determine the role of this variant in disease. Therefore, it has been classified as a Variant of Uncertain Significance.

NM_201384.3(PLEC):c.10124T>C (p.Met3375Thr)

Gene: PLEC (plectin; minus strand). Cytogenetic location: 8q24.3.
Variant type: single nucleotide variant.
Coding change: c.10124T>C on transcript NM_201384.3 (MANE Select); coding-DNA position 10124, T replaced by C.
Protein change: p.Met3375Thr; replaces methionine 3375 with threonine.
Molecular consequence: missense variant.
Genome position (GRCh38, 1-based): chr8:143,919,697, A>G on the plus strand (T>C on the coding strand, the complement: PLEC is on the minus strand). VCF-style: chr8-143919697-A-G. GRCh37 (hg19) VCF-style: chr8-144993865-A-G.
Other names: c.10205T>C, p.Met3402Thr (NM_000445.5); c.10082T>C, p.Met3361Thr (NM_201378.4); c.10058T>C, p.Met3353Thr (NM_201379.3); c.10535T>C, p.Met3512Thr (NM_201380.4); c.10028T>C, p.Met3343Thr (NM_201381.3); c.10124T>C, p.Met3375Thr (NM_201382.4); c.10136T>C, p.Met3379Thr (NM_201383.3); short protein forms M3343T, M3361T, M3379T, M3402T, M3512T, M3353T, M3375T.
Identifiers: ClinVar variation 940265 (VCV000940265.7), dbSNP rs1417349294, ClinGen allele CA372503527.